The following is an entry in ClinVar:

NM_001267550.2(TTN):c.11311+2827G>A

Gene: TTN (titin; minus strand). Cytogenetic location: 2q31.2.
Variant type: single nucleotide variant.
Coding change: c.11311+2827G>A on transcript NM_001267550.2 (MANE Select); 2827 bases into the intron after coding-DNA position 11311, G replaced by A.
Molecular consequence: intron variant. On other transcripts: missense variant (1).
Genome position (GRCh38, 1-based): chr2:178,750,297, C>T on the plus strand (G>A on the coding strand, the complement: TTN is on the minus strand). VCF-style: chr2-178750297-C-T. GRCh37 (hg19) VCF-style: chr2-179615024-C-T.
Other names: c.12103G>A, p.Ala4035Thr (NM_133379.5); c.10222+2827G>A (NM_003319.4); c.10798+2827G>A (NM_133437.4); c.10597+2827G>A (NM_133432.3); c.10360+2827G>A (NM_133378.4, NM_001256850.1); short protein forms A4035T.
Identifiers: ClinVar variation 3025390 (VCV003025390.22), dbSNP rs375836455, ClinGen allele CA2003615.

ClinVar aggregate classification (germline): Uncertain significance (1 of 4 stars; one submission).

Allele frequency attached by ClinVar (database versions not stated): TOPMed 0.00002; ESP Exome Variant Server 0.00008; gnomAD 0.00010; gnomAD exomes 0.00015; ExAC 0.00034; 1000 Genomes Project 30x 0.00078; 1000 Genomes Project 0.00100.
gnomAD v4.1: 233 of 1,613,242 alleles (0.014%); highest among the groups gnomAD compares: South Asian, 0.25%; 3 homozygotes.

Submission:

CeGaT Center for Human Genetics Tuebingen
Classification: Uncertain significance. Last evaluated: 2024-02-01. Review status: criteria provided, single submitter. Criteria: CeGaT Center For Human Genetics Tuebingen Variant Classification Criteria Version 2. Collection method: clinical testing. Allele origin: germline. Affected: yes. Observed: 1 variant allele.
Comment: TTN: PM2:Supporting, BP4